The following is an entry in ClinVar:

ClinVar aggregate classification (germline): Uncertain significance. Review status: criteria provided, single submitter (1 of 4 stars). 2 submissions from 2 submitters: Uncertain significance (1). 1 of the submissions does not count toward it. Last evaluated 2024-03-08.

Conditions:
Leydig cell agenesis. Also called: Leydig cell hypoplasia, type 1; HYPERGONADOTROPIC HYPOGONADISM, MALE, DUE TO LHCGR DEFECT; LEYDIG CELL HYPOPLASIA WITH MALE PSEUDOHERMAPHRODITISM; LEYDIG CELL HYPOPLASIA, COMPLETE. Identifiers: MedGen C0266432, MONDO:0009384, OMIM 238320.

Submissions (2):

GeneDx
Classification: Uncertain significance. Last evaluated: 2024-03-08. Review status: criteria provided, single submitter. Criteria: GeneDx Variant Classification Process June 2021. Collection method: clinical testing. Allele origin: germline. Affected: yes.
Comment: Not observed at significant frequency in large population cohorts (gnomAD); In silico analysis supports a deleterious effect on splicing; Has not been previously published as pathogenic or benign to our knowledge

Center for Human Genetics and Genomic Medicine, Uniklinik Rwth Aachen
Classification: Likely pathogenic for Leydig cell agenesis. Last evaluated: 2021-05-28. Review status: no assertion criteria provided. Collection method: clinical testing. Allele origin: germline. Inheritance: Autosomal recessive inheritance. Affected: yes. Observed: 1 variant allele, 1 compound heterozygote. Not counted in ClinVar's aggregate classification.

NM_000233.4(LHCGR):c.536+3G>C

Genes: LHCGR (luteinizing hormone/choriogonadotropin receptor; minus strand), STON1-GTF2A1L (STON1-GTF2A1L readthrough; plus strand). Cytogenetic location: 2p16.3.
Variant type: single nucleotide variant.
Coding change: c.536+3G>C on transcript NM_000233.4 (MANE Select); 3 bases into the intron after coding-DNA position 536, G replaced by C.
Molecular consequence: intron variant.
Genome position (GRCh38, 1-based): chr2:48,723,453, C>G on the plus strand (G>C on the coding strand, the complement: LHCGR is on the minus strand). VCF-style: chr2-48723453-C-G. GRCh37 (hg19) VCF-style: chr2-48950592-C-G.
Other names: c.3441+51773C>G (NM_001198593.2).
Identifiers: ClinVar variation 1120144 (VCV001120144.4), dbSNP rs2104451655, ClinGen allele CA2499216160.
Genomic context (GRCh38, chr2:48,723,453, plus strand): 5'-CAACCTAGTAGTGAGACTAGCAGGAGGCTGTATGGCAGAACACAAATCTGGGAGTTTACT[C>G]ACAGTGTTACAGATTCATTATTCATCCCTTGAAAAGCATTTCCTGGTATGGTGGTTATGT-3'